The following is an entry in ClinVar:

NM_014314.4(RIGI):c.1727C>T (p.Ala576Val)

Gene: RIGI (RNA sensor RIG-I; minus strand). Cytogenetic location: 9p21.1.
Variant type: single nucleotide variant.
Coding change: c.1727C>T on transcript NM_014314.4 (MANE Select); coding-DNA position 1727, C replaced by T.
Protein change: p.Ala576Val; replaces alanine 576 with valine.
Molecular consequence: missense variant.
Genome position (GRCh38, 1-based): chr9:32,480,266, G>A on the plus strand (C>T on the coding strand, the complement: RIGI is on the minus strand). VCF-style: chr9-32480266-G-A. GRCh37 (hg19) VCF-style: chr9-32480264-G-A.
Other names: c.1712C>T, p.Ala571Val (NM_001385913.1); c.1283C>T, p.Ala428Val (NM_001385914.1); c.1721C>T, p.Ala574Val (NM_001385907.1); c.1727C>T, p.Ala576Val (NM_001385909.1); c.1286C>T, p.Ala429Val (NM_001385910.1); c.1118C>T, p.Ala373Val (NM_001385912.1); short protein forms A429V, A571V, A574V, A428V, A373V, A576V.
Identifiers: ClinVar variation 1429861 (VCV001429861.6), dbSNP rs2118760568, ClinGen allele CA373151466.

ClinVar aggregate classification (germline): Uncertain significance (1 of 4 stars; one submission).

Allele frequency attached by ClinVar (database versions not stated): gnomAD exomes below 0.00001.
gnomAD v4.1: 6 of 1,611,492 alleles (0.00037%); highest among the groups gnomAD compares: Non-Finnish European, 0.00034%; no homozygotes.

Submission:

Labcorp Genetics (formerly Invitae), Labcorp
Classification: Uncertain significance. Last evaluated: 2021-10-09. Review status: criteria provided, single submitter. Criteria: Invitae Variant Classification Sherloc (09022015). Collection method: clinical testing. Allele origin: germline.
Comment: This sequence change replaces alanine with valine at codon 576 of the DDX58 protein (p.Ala576Val). The alanine residue is weakly conserved and there is a small physicochemical difference between alanine and valine. This variant is not present in population databases (ExAC no frequency). This variant has not been reported in the literature in individuals with DDX58-related conditions. Algorithms developed to predict the effect of missense changes on protein structure and function (SIFT, PolyPhen-2, Align-GVGD) all suggest that this variant is likely to be tolerated, but these predictions have not been confirmed by published functional studies and their clinical significance is uncertain. In summary, the available evidence is currently insufficient to determine the role of this variant in disease. Therefore, it has been classified as a Variant of Uncertain Significance.